The following is an entry in ClinVar:

NM_014905.5(GLS):c.923dup (p.Tyr308Ter)

Gene: GLS (glutaminase; plus strand). Cytogenetic location: 2q32.2.
Variant type: Duplication.
Coding change: c.923dup on transcript NM_014905.5 (MANE Select); coding-DNA position 923, one base duplicated (A; older notation c.923dupA).
Protein change: p.Tyr308Ter; replaces tyrosine 308 with a stop codon.
Molecular consequence: nonsense.
Genome position (GRCh38, 1-based): chr2:190,905,111, A duplicated. VCF-style (leftmost placement, unchanged base first): chr2-190905110-T-TA. GRCh37 (hg19) VCF-style: chr2-191769836-T-TA.
Other names: c.923dup, p.Tyr308Ter (NM_001256310.2); short protein forms Y308*.
Identifiers: ClinVar variation 626336 (VCV000626336.5), dbSNP rs1212883982, ClinGen allele CA538915021.
Genomic context (GRCh38, chr2:190,905,110, plus strand): 5'-GTAAAACCTTTGAAATATGCCATTGCTGTTAATGATCTTGGAACTGAATATGTGCATCGA[T>TA]ATGTTGGAAAAGAGCCGAGTGGACTAAGATTCAACAAACTATTTTTGAATGAAGATGGTA-3'

ClinVar aggregate classification (germline): Pathogenic. Review status: criteria provided, single submitter (1 of 4 stars). 2 submissions from 2 submitters: Pathogenic (1). 1 of the submissions does not count toward it. Last evaluated 2025-02-19.

Conditions:
Global developmental delay, progressive ataxia, and elevated glutamine. Also called: GLUTAMINASE DEFICIENCY WITH IMPAIRED INTELLECTUAL DEVELOPMENT AND PROGRESSIVE ATAXIA. Identifiers: MedGen C5193080, MONDO:0032733, OMIM 618412.

Allele frequency attached by ClinVar (database versions not stated): gnomAD exomes below 0.00001; TOPMed below 0.00001.

Submissions (2):

GeneDx
Classification: Pathogenic. Last evaluated: 2025-02-19. Review status: criteria provided, single submitter. Criteria: GeneDx Variant Classification Process June 2021. Collection method: clinical testing. Allele origin: germline. Affected: yes.
Comment: Nonsense variant predicted to result in protein truncation or nonsense mediated decay in a gene for which loss of function is a known mechanism of disease; Published functional studies demonstrate that this variant lacks enzymatic activity (PMID: 30970188); This variant is associated with the following publications: (PMID: 30970188)

OMIM
Classification: Pathogenic for GLOBAL DEVELOPMENTAL DELAY, PROGRESSIVE ATAXIA, AND ELEVATED GLUTAMINE. Last evaluated: 2025-01-29. Review status: no assertion criteria provided. Collection method: literature only. Allele origin: germline. Not counted in ClinVar's aggregate classification.

Literature cited by the submitters: PubMed 30970188 (cited by OMIM).